The following is an entry in ClinVar:

NM_001204.7(BMPR2):c.1915A>G (p.Asn639Asp)

Gene: BMPR2 (bone morphogenetic protein receptor type 2; plus strand). Cytogenetic location: 2q33.2.
Variant type: single nucleotide variant.
Coding change: c.1915A>G on transcript NM_001204.7 (MANE Select); coding-DNA position 1915, A replaced by G.
Protein change: p.Asn639Asp; replaces asparagine 639 with aspartic acid.
Molecular consequence: missense variant.
Genome position (GRCh38, 1-based): chr2:202,555,580, A>G. VCF-style: chr2-202555580-A-G. GRCh37 (hg19) VCF-style: chr2-203420303-A-G.
Other names: short protein forms N639D.
Identifiers: ClinVar variation 3382905 (VCV003382905.3).

ClinVar aggregate classification (germline): Uncertain significance. Review status: criteria provided, multiple submitters, no conflicts (2 of 4 stars). 2 submissions from 2 submitters: Uncertain significance (2). Last evaluated 2024-11-25.

Conditions:
Pulmonary hypertension, primary, 1 (PPH1). Also called: Pulmonary hypertension, familial primary, 1, with or without HHT. Identifiers: Orphanet 422, MedGen C4552070, MONDO:0024533, OMIM 178600.
Pulmonary venoocclusive disease 1 (PVOD1). Also called: Pulmonary venoocclusive disease 1, autosomal dominant. Identifiers: Orphanet 31837, MedGen C3887658, MONDO:0020713, OMIM 265450.
Inborn genetic diseases. Identifiers: MedGen C0950123, MeSH D030342.

Submissions (2):

Ambry Genetics
Classification: Uncertain significance for Inborn genetic diseases. Last evaluated: 2024-11-25. Review status: criteria provided, single submitter. Criteria: Ambry Variant Classification Scheme 2023. Collection method: clinical testing. Allele origin: germline.
Comment: The p.N639D variant (also known as c.1915A>G), located in coding exon 12 of the BMPR2 gene, results from an A to G substitution at nucleotide position 1915. The asparagine at codon 639 is replaced by aspartic acid, an amino acid with highly similar properties. This amino acid position is conserved. In addition, this alteration is predicted to be tolerated by in silico analysis. Based on the available evidence, the clinical significance of this variant remains unclear.

Juno Genomics, Hangzhou Juno Genomics, Inc
Classification: Uncertain significance for Pulmonary hypertension, primary, 1; Pulmonary venoocclusive disease 1. Review status: criteria provided, single submitter. Criteria: ACMG Guidelines, 2015. Collection method: clinical testing. Allele origin: germline. Affected: yes.
Comment: Absent from controls (or at extremely low frequency if recessive) in Genome Aggregation Database, Exome Sequencing Project, 1000 Genomes Project, or Exome Aggregation Consortium.;Patient's phenotype or family history is highly specific for a disease with a single genetic etiology.